The following is an entry in ClinVar:

ClinVar aggregate classification (germline): Uncertain significance. Review status: criteria provided, multiple submitters, no conflicts (2 of 4 stars). 6 submissions from 6 submitters: Uncertain significance (5). 1 of the submissions does not count toward it. Last evaluated 2025-11-10.

Conditions:
Hereditary cancer-predisposing syndrome. Also called: Tumor predisposition; Neoplastic Syndromes, Hereditary; Hereditary neoplastic syndrome; Hereditary Cancer Syndrome. Identifiers: Orphanet 140162, MedGen C0027672, MeSH D009386, MONDO:0015356.
Bloom syndrome (BLM). Also called: Bloom-Torre-Machacek syndrome. Identifiers: Orphanet 125, MedGen C0005859, MONDO:0008876, OMIM 210900.

Allele frequency attached by ClinVar (database versions not stated): TOPMed 0.00001; gnomAD 0.00002; ExAC 0.00001; gnomAD exomes 0.00001.

Submissions (6):

Labcorp Genetics (formerly Invitae), Labcorp
Classification: Uncertain significance for Bloom syndrome. Last evaluated: 2025-11-10. Review status: criteria provided, single submitter. Criteria: Invitae Variant Classification Sherloc (09022015). Collection method: clinical testing. Allele origin: germline.
Comment: This sequence change replaces methionine, which is neutral and non-polar, with threonine, which is neutral and polar, at codon 1339 of the BLM protein (p.Met1339Thr). This variant is present in population databases (rs761320085, gnomAD 0.003%). This variant has not been reported in the literature in individuals affected with BLM-related conditions. ClinVar contains an entry for this variant (Variation ID: 584897). Invitae Evidence Modeling of protein sequence and biophysical properties (such as structural, functional, and spatial information, amino acid conservation, physicochemical variation, residue mobility, and thermodynamic stability) indicates that this missense variant is not expected to disrupt BLM protein function with a negative predictive value of 80%. In summary, the available evidence is currently insufficient to determine the role of this variant in disease. Therefore, it has been classified as a Variant of Uncertain Significance.

Quest Diagnostics Nichols Institute San Juan Capistrano
Classification: Uncertain significance. Last evaluated: 2025-09-24. Review status: criteria provided, single submitter. Criteria: Quest Diagnostics criteria. Collection method: clinical testing. Allele origin: unknown.
Comment: The BLM c.4016T>C (p.Met1339Thr) variant has not been reported in the germline of individuals with BLM-related conditions in the published literature. The frequency of this variant in the general population (Genome Aggregation Database) is uninformative in the assessment of its pathogenicity. Analysis of this variant using bioinformatics tools for the prediction of the effect of amino acid changes on protein structure and function yielded predictions that this variant is benign. Based on the available information, we are unable to determine the clinical significance of this variant.

Ambry Genetics
Classification: Uncertain significance for Hereditary cancer-predisposing syndrome. Last evaluated: 2024-09-20. Review status: criteria provided, single submitter. Criteria: Ambry Variant Classification Scheme 2023. Collection method: clinical testing. Allele origin: germline.
Comment: The p.M1339T variant (also known as c.4016T>C), located in coding exon 20 of the BLM gene, results from a T to C substitution at nucleotide position 4016. The methionine at codon 1339 is replaced by threonine, an amino acid with similar properties. This amino acid position is poorly conserved in available vertebrate species. In addition, this alteration is predicted to be tolerated by in silico analysis. Since supporting evidence is limited at this time, the clinical significance of this alteration remains unclear.

GeneDx
Classification: Uncertain significance. Last evaluated: 2024-05-07. Review status: criteria provided, single submitter. Criteria: GeneDx Variant Classification Process June 2021. Collection method: clinical testing. Allele origin: germline. Affected: yes.
Comment: Not observed at significant frequency in large population cohorts (gnomAD); In silico analysis indicates that this missense variant does not alter protein structure/function; Has not been previously published as pathogenic or benign to our knowledge; This variant is associated with the following publications: (PMID: 32704157)

Mendelics
Classification: Uncertain significance for Bloom syndrome. Last evaluated: 2018-07-02. Review status: criteria provided, single submitter. Criteria: Mendelics Assertion Criteria 2017. Collection method: clinical testing. Allele origin: unknown.

Natera, Inc.
Classification: Uncertain significance for Bloom syndrome. Last evaluated: 2020-10-07. Review status: no assertion criteria provided. Collection method: clinical testing. Allele origin: germline. Not counted in ClinVar's aggregate classification.

Literature cited by the submitters: PubMed 27320919 (cited by Quest Diagnostics Nichols Institute San Juan Capistrano).

NM_000057.4(BLM):c.4016T>C (p.Met1339Thr)

Gene: BLM (BLM RecQ like helicase; plus strand). Cytogenetic location: 15q26.1.
Variant type: single nucleotide variant.
Coding change: c.4016T>C on transcript NM_000057.4 (MANE Select); coding-DNA position 4016, T replaced by C.
Protein change: p.Met1339Thr; replaces methionine 1339 with threonine.
Molecular consequence: missense variant.
Genome position (GRCh38, 1-based): chr15:90,811,346, T>C. VCF-style: chr15-90811346-T-C. GRCh37 (hg19) VCF-style: chr15-91354576-T-C.
Other names: c.4016T>C (NM_000057.2); c.4016T>C, p.Met1339Thr (NM_001287246.2); c.3623T>C, p.Met1208Thr (NM_001287247.2); c.2891T>C, p.Met964Thr (NM_001287248.2); short protein forms M1339T, M1208T, M964T.
Identifiers: ClinVar variation 584897 (VCV000584897.18), dbSNP rs761320085, ClinGen allele CA7739173.